The following is an entry in ClinVar:

NM_020719.3(PRR12):c.5083A>C (p.Lys1695Gln)

Gene: PRR12 (proline rich 12; plus strand). Cytogenetic location: 19q13.33.
Variant type: single nucleotide variant.
Coding change: c.5083A>C on transcript NM_020719.3 (MANE Select); coding-DNA position 5083, A replaced by C.
Protein change: p.Lys1695Gln; replaces lysine 1695 with glutamine.
Molecular consequence: missense variant.
Genome position (GRCh38, 1-based): chr19:49,615,805, A>C. VCF-style: chr19-49615805-A-C. GRCh37 (hg19) VCF-style: chr19-50119062-A-C.
Other names: short protein forms K1695Q.
Identifiers: ClinVar variation 3255046 (VCV003255046.1), dbSNP rs2080889245.

ClinVar aggregate classification (germline): Uncertain significance (1 of 4 stars; one submission).

Conditions:
Neuroocular syndrome 1 (NOC1). Identifiers: Orphanet 659904, MedGen C5925133, MONDO:0971007, OMIM 619539.

Submission:

Victorian Clinical Genetics Services, Murdoch Childrens Research Institute
Classification: Uncertain significance for Neuroocular syndrome 1. Last evaluated: 2023-12-21. Review status: criteria provided, single submitter. Criteria: ACMG Guidelines, 2015. Collection method: clinical testing. Allele origin: germline. Inheritance: Autosomal dominant inheritance. Affected: yes.
Comment: Based on the classification scheme VCGS_Germline_v1.3.4, this variant is classified as VUS-3B. Following criteria are met: 0102 - Loss of function is a known mechanism of disease in this gene and is associated with neuroocular syndrome (MIM#619539). (I) 0107 - This gene is associated with autosomal dominant disease. (I) 0200 - Variant is predicted to result in a missense amino acid change from lysine to glutamine. (I) 0251 - This variant is heterozygous. (I) 0301 - Variant is absent from gnomAD (both v2 and v3). (SP) 0309 - An alternative amino acid change at the same position has been observed in gnomAD (v3: 1 heterozygote, 0 homozygotes). (I) 0502 - Missense variant with conflicting in silico predictions and uninformative conservation. (I) 0604 - Variant is not located in an established domain, motif, hotspot or informative constraint region. (I) 0705 - No comparable missense variants have previous evidence for pathogenicity. (I) 0807 - This variant has no previous evidence of pathogenicity. (I) 0905 - No published segregation evidence has been identified for this variant. (I) 1007 - No published functional evidence has been identified for this variant. (I) 1208 - Inheritance information for this variant is not currently available in this individual. (I) Legend: (SP) - Supporting pathogenic, (I) - Information, (SB) - Supporting benign